The following is an entry in ClinVar:

NR_023343.3(RNU4ATAC):n.27dup

Genes: CLASP1 (cytoplasmic linker associated protein 1; minus strand), CLASP1-AS1 (CLASP1 antisense RNA 1; plus strand), RNU4ATAC (RNA, U4atac small nuclear; plus strand). Cytogenetic location: 2q14.2.
Variant type: Duplication.
Molecular consequence: intron variant (on NM_001395891.1).
Genome position: GRCh38 VCF-style: chr2-121530905-T-TA. GRCh37 (hg19) VCF-style: chr2-122288481-T-TA.
Other names: c.196-581dup (NM_001378005.1, NM_001142274.2, NM_015282.3 and 5 more transcripts).
Identifiers: ClinVar variation 1522251 (VCV001522251.4), dbSNP rs1247359145, ClinGen allele CA536071221.

ClinVar aggregate classification (germline): Uncertain significance (1 of 4 stars; one submission).

Allele frequency attached by ClinVar (database versions not stated): gnomAD 0.00001; gnomAD exomes 0.00001; TOPMed 0.00001.

Submission:

Labcorp Genetics (formerly Invitae), Labcorp
Classification: Uncertain significance. Last evaluated: 2022-09-01. Review status: criteria provided, single submitter. Criteria: Invitae Variant Classification Sherloc (09022015). Collection method: clinical testing. Allele origin: germline.
Comment: This variant occurs in the RNU4ATAC gene, which encodes an RNA molecule that does not result in a protein product. This variant is present in population databases (no rsID available, gnomAD 0.002%). This variant has not been reported in the literature in individuals affected with RNU4ATAC-related conditions. ClinVar contains an entry for this variant (Variation ID: 1522251). Experimental studies and prediction algorithms are not available or were not evaluated, and the functional significance of this variant is currently unknown. In summary, the available evidence is currently insufficient to determine the role of this variant in disease. Therefore, it has been classified as a Variant of Uncertain Significance.